The following is an entry in ClinVar:

ClinVar aggregate classification (germline): Uncertain significance. Review status: criteria provided, multiple submitters, no conflicts (2 of 4 stars). 3 submissions from 3 submitters: Uncertain significance (3). Last evaluated 2025-06-30.

Conditions:
PHIP-related disorder. Also called: PHIP-related condition; PHIP-related disorders.

Allele frequency attached by ClinVar (database versions not stated): TOPMed below 0.00001; ExAC 0.00001; gnomAD exomes 0.00001.
gnomAD v4.1: 19 of 1,607,504 alleles (0.0012%); highest among the groups gnomAD compares: Non-Finnish European, 0.0016%; no homozygotes.

Submissions (3):

PreventionGenetics, part of Exact Sciences
Classification: Uncertain significance for PHIP-related condition. Last evaluated: 2025-06-30. Review status: criteria provided, single submitter. Criteria: ACMG Guidelines, 2015. Collection method: clinical testing. Allele origin: germline.
Comment: The PHIP c.2974C>A variant is predicted to result in the amino acid substitution p.Pro992Thr. To our knowledge, this variant has not been reported in the literature. This variant is reported in 0.0018% of alleles in individuals of European (Non-Finnish) descent in gnomAD. At this time, the clinical significance of this variant is uncertain due to the absence of conclusive functional and genetic evidence.

Labcorp Genetics (formerly Invitae), Labcorp
Classification: Uncertain significance. Last evaluated: 2022-11-29. Review status: criteria provided, single submitter. Criteria: Invitae Variant Classification Sherloc (09022015). Collection method: clinical testing. Allele origin: germline.
Comment: This sequence change replaces proline, which is neutral and non-polar, with threonine, which is neutral and polar, at codon 992 of the PHIP protein (p.Pro992Thr). This variant is present in population databases (rs752029385, gnomAD 0.002%). This variant has not been reported in the literature in individuals affected with PHIP-related conditions. Advanced modeling of protein sequence and biophysical properties (such as structural, functional, and spatial information, amino acid conservation, physicochemical variation, residue mobility, and thermodynamic stability) performed at Invitae indicates that this missense variant is expected to disrupt PHIP protein function. Algorithms developed to predict the effect of sequence changes on RNA splicing suggest that this variant may disrupt the consensus splice site. In summary, the available evidence is currently insufficient to determine the role of this variant in disease. Therefore, it has been classified as a Variant of Uncertain Significance.

Blueprint Genetics
Classification: Uncertain significance. Last evaluated: 2021-11-11. Review status: criteria provided, single submitter. Criteria: ACMG Guidelines, 2015. Collection method: clinical testing. Allele origin: germline.

NM_017934.7(PHIP):c.2974C>A (p.Pro992Thr)

Genes: IRAK1BP1 (interleukin 1 receptor associated kinase 1 binding protein 1; plus strand), PHIP (PHIP subunit of CUL4-Ring ligase complex; minus strand). Cytogenetic location: 6q14.1.
Variant type: single nucleotide variant.
Coding change: c.2974C>A on transcript NM_017934.7 (MANE Select); coding-DNA position 2974, C replaced by A.
Protein change: p.Pro992Thr; replaces proline 992 with threonine.
Molecular consequence: missense variant.
Genome position (GRCh38, 1-based): chr6:78,970,804, G>T on the plus strand (C>A on the coding strand, the complement: PHIP is on the minus strand). VCF-style: chr6-78970804-G-T. GRCh37 (hg19) VCF-style: chr6-79680521-G-T.
Other names: c.2974C>A (NM_017934.6); short protein forms P992T.
Identifiers: ClinVar variation 2892547 (VCV002892547.5), dbSNP rs752029385, ClinGen allele CA3899812.